The following is an entry in ClinVar:

ClinVar aggregate classification (germline): Conflicting classifications of pathogenicity. Review status: criteria provided, conflicting classifications (1 of 4 stars). 4 submissions from 4 submitters: Uncertain significance (3); Likely benign (1). Last evaluated 2025-08-11.

Allele frequency attached by ClinVar (database versions not stated): gnomAD exomes 0.00010; 1000 Genomes Project 30x 0.00031; gnomAD 0.00086 and 0.00097.
gnomAD v4.1: 178 of 998,624 alleles (0.018%); highest among the groups gnomAD compares: African/African-American, 0.29%; 1 homozygote.

Submissions (4):

Ambry Genetics
Classification: Uncertain significance. Last evaluated: 2025-08-11. Review status: criteria provided, single submitter. Criteria: Ambry Variant Classification Scheme 2023. Collection method: clinical testing. Allele origin: germline.

Labcorp Genetics (formerly Invitae), Labcorp
Classification: Uncertain significance. Last evaluated: 2025-04-22. Review status: criteria provided, single submitter. Criteria: Invitae Variant Classification Sherloc (09022015). Collection method: clinical testing. Allele origin: germline.
Comment: This sequence change replaces arginine, which is basic and polar, with glutamine, which is neutral and polar, at codon 1736 of the CASZ1 protein (p.Arg1736Gln). The frequency data for this variant in the population databases is considered unreliable, as metrics indicate poor data quality at this position in the gnomAD database. This variant has not been reported in the literature in individuals affected with CASZ1-related conditions. ClinVar contains an entry for this variant (Variation ID: 1416792). An algorithm developed to predict the effect of missense changes on protein structure and function outputs the following: PolyPhen-2: "Not Available". The glutamine amino acid residue is found in multiple mammalian species, which suggests that this missense change does not adversely affect protein function. In summary, the available evidence is currently insufficient to determine the role of this variant in disease. Therefore, it has been classified as a Variant of Uncertain Significance.

Blueprint Genetics
Classification: Likely benign. Last evaluated: 2024-09-25. Review status: criteria provided, single submitter. Criteria: ACMG Guidelines, 2015. Collection method: clinical testing. Allele origin: germline.

Breakthrough Genomics
Classification: Uncertain significance. Review status: criteria provided, single submitter. Criteria: ACMG Guidelines, 2015. Collection method: not provided. Allele origin: germline. Inheritance: Unknown mechanism. Affected: yes.

NM_001079843.3(CASZ1):c.5207G>A (p.Arg1736Gln)

Gene: CASZ1 (castor zinc finger 1; minus strand). Cytogenetic location: 1p36.22.
Variant type: single nucleotide variant.
Coding change: c.5207G>A on transcript NM_001079843.3 (MANE Select); coding-DNA position 5207, G replaced by A.
Protein change: p.Arg1736Gln; replaces arginine 1736 with glutamine.
Molecular consequence: missense variant.
Genome position (GRCh38, 1-based): chr1:10,639,015, C>T on the plus strand (G>A on the coding strand, the complement: CASZ1 is on the minus strand). VCF-style: chr1-10639015-C-T. GRCh37 (hg19) VCF-style: chr1-10699072-C-T.
Other names: c.5207G>A (NM_001079843.1); short protein forms R1736Q.
Identifiers: ClinVar variation 1416792 (VCV001416792.10), dbSNP rs750374432, ClinGen allele CA584053.